The following is an entry in ClinVar:

NM_024596.5(MCPH1):c.2214+32439C>A

Genes: ANGPT2 (angiopoietin 2; minus strand), MCPH1 (microcephalin 1; plus strand). Cytogenetic location: 8p23.1.
Variant type: single nucleotide variant.
Coding change: c.2214+32439C>A on transcript NM_024596.5 (MANE Select); 32439 bases into the intron after coding-DNA position 2214, C replaced by A.
Molecular consequence: intron variant. On other transcripts: synonymous variant (4).
Genome position (GRCh38, 1-based): chr8:6,532,368, C>A. VCF-style: chr8-6532368-C-A. GRCh37 (hg19) VCF-style: chr8-6389889-C-A.
Other names: c.408G>T, p.Ala136= (NM_001118887.2, NM_001147.3, NM_001386336.1 and 1 more transcripts); c.2214+32439C>A (NM_001322042.2, NM_001363979.1, NM_001410917.1); c.1935+77116C>A (NM_001363980.2); c.2215-13094C>A (NM_001410916.1); c.289-4692G>T (NM_001386335.1, NM_001118888.2).
Identifiers: ClinVar variation 158839 (VCV000158839.8), dbSNP rs6559167, ClinGen allele CA172510.

ClinVar aggregate classification (germline): Benign. Review status: criteria provided, multiple submitters, no conflicts (2 of 4 stars). 3 submissions from 3 submitters: Benign (2). 1 of the submissions does not count toward it. Last evaluated 2024-11-27.

Allele frequency attached by ClinVar (database versions not stated): 1000 Genomes Project 0.28974; 1000 Genomes Project 30x 0.29216; ESP Exome Variant Server 0.42734.
gnomAD v4.1: 498,181 of 1,613,718 alleles (31%); highest among the groups gnomAD compares: East Asian, 42%; 78,299 homozygotes.

Submissions (3):

Blueprint Genetics
Classification: Benign. Last evaluated: 2024-11-27. Review status: criteria provided, single submitter. Criteria: ACMG Guidelines, 2015. Collection method: clinical testing. Allele origin: germline.

Breakthrough Genomics
Classification: Benign. Review status: criteria provided, single submitter. Criteria: ACMG Guidelines, 2015. Collection method: not provided. Allele origin: germline. Inheritance: Autosomal recessive inheritance. Affected: yes.

Genetic Services Laboratory, University of Chicago
Classification: Likely benign. Review status: no assertion criteria provided. Collection method: clinical testing. Allele origin: germline. Inheritance: Autosomal recessive inheritance. Not counted in ClinVar's aggregate classification.
Comment: Likely benign based on allele frequency in 1000 Genomes Project or ESP global frequency and its presence in a patient with a rare or unrelated disease phenotype. NOT Sanger confirmed